The following is an entry in ClinVar:

ClinVar aggregate classification (germline): Uncertain significance. Review status: criteria provided, multiple submitters, no conflicts (2 of 4 stars). 3 submissions from 3 submitters: Uncertain significance (3). Last evaluated 2025-11-24.

Conditions:
Cardiovascular phenotype. Identifiers: MedGen CN230736.
Walker-Warburg congenital muscular dystrophy. Also called: Muscular dystrophy-dystroglycanopathy, type A; Walker-Warburg syndrome. Identifiers: Orphanet 899, MedGen C0265221, MONDO:0000171.

Allele frequency attached by ClinVar (database versions not stated): gnomAD exomes below 0.00001; ExAC 0.00001.
gnomAD v4.1: 1 of 1,614,048 alleles (0.000062%); highest among the groups gnomAD compares: East Asian, 0.0022%; no homozygotes.

Submissions (3):

Ambry Genetics
Classification: Uncertain significance for Cardiovascular phenotype. Last evaluated: 2025-11-24. Review status: criteria provided, single submitter. Criteria: Ambry Variant Classification Scheme 2023. Collection method: clinical testing. Allele origin: germline.
Comment: The p.V457I variant (also known as c.1369G>A), located in coding exon 9 of the FKTN gene, results from a G to A substitution at nucleotide position 1369. The valine at codon 457 is replaced by isoleucine, an amino acid with highly similar properties. This amino acid position is conserved. In addition, this alteration is predicted to be tolerated by in silico analysis. Based on the available evidence, the clinical significance of this variant remains unclear.

Labcorp Genetics (formerly Invitae), Labcorp
Classification: Uncertain significance for Walker-Warburg congenital muscular dystrophy. Last evaluated: 2021-08-28. Review status: criteria provided, single submitter. Criteria: Invitae Variant Classification Sherloc (09022015). Collection method: clinical testing. Allele origin: germline.
Comment: This sequence change replaces valine with isoleucine at codon 457 of the FKTN protein (p.Val457Ile). The valine residue is highly conserved and there is a small physicochemical difference between valine and isoleucine. This variant is present in population databases (rs775183646, ExAC 0.01%). This variant has not been reported in the literature in individuals affected with FKTN-related conditions. Algorithms developed to predict the effect of missense changes on protein structure and function are either unavailable or do not agree on the potential impact of this missense change (SIFT: "Tolerated"; PolyPhen-2: "Possibly Damaging"; Align-GVGD: "Class C0"). In summary, the available evidence is currently insufficient to determine the role of this variant in disease. Therefore, it has been classified as a Variant of Uncertain Significance.

Blueprint Genetics
Classification: Uncertain significance. Last evaluated: 2020-09-01. Review status: criteria provided, single submitter. Criteria: ACMG Guidelines, 2015. Collection method: clinical testing. Allele origin: germline.

NM_001079802.2(FKTN):c.1369G>A (p.Val457Ile)

Gene: FKTN (fukutin; plus strand). Cytogenetic location: 9q31.2.
Variant type: single nucleotide variant.
Coding change: c.1369G>A on transcript NM_001079802.2 (MANE Select); coding-DNA position 1369, G replaced by A.
Protein change: p.Val457Ile; replaces valine 457 with isoleucine.
Molecular consequence: missense variant. On other transcripts: 3 prime UTR variant (1), non-coding transcript variant (2), intron variant (1).
Genome position (GRCh38, 1-based): chr9:105,635,247, G>A. VCF-style: chr9-105635247-G-A. GRCh37 (hg19) VCF-style: chr9-108397528-G-A.
Other names: c.1369G>A, p.Val457Ile (NM_001351496.2, NM_006731.2); c.1300G>A, p.Val434Ile (NM_001351497.2); c.*161G>A (NM_001351498.2); c.973G>A, p.Val325Ile (NM_001351499.2, NM_001351500.2, NM_001351501.2 and 1 more transcripts); c.1270+99G>A (NM_001198963.2); short protein forms V434I, V325I, V457I.
Identifiers: ClinVar variation 839339 (VCV000839339.9), dbSNP rs775183646, ClinGen allele CA5170620.